The following is an entry in ClinVar:

NM_000179.3(MSH6):c.260+5C>T

Genes: MSH6 (mutS homolog 6; plus strand), LOC129933707 (ATAC-STARR-seq lymphoblastoid silent region 11468; plus strand). Cytogenetic location: 2p16.3.
Variant type: single nucleotide variant.
Coding change: c.260+5C>T on transcript NM_000179.3 (MANE Select); 5 bases into the intron after coding-DNA position 260, C replaced by T.
Molecular consequence: intron variant.
Genome position (GRCh38, 1-based): chr2:47,783,498, C>T. VCF-style: chr2-47783498-C-T. GRCh37 (hg19) VCF-style: chr2-48010637-C-T.
Other names: c.-477+5C>T (NM_001281493.2); c.237+28C>T (NM_001281492.2).
Identifiers: ClinVar variation 920096 (VCV000920096.5), dbSNP rs1440012800, ClinGen allele CA532705462.

ClinVar aggregate classification (germline): Uncertain significance. Review status: criteria provided, multiple submitters, no conflicts (2 of 4 stars). 3 submissions from 3 submitters: Uncertain significance (3). Last evaluated 2025-05-15.

Conditions:
Hereditary nonpolyposis colorectal neoplasms. Identifiers: MedGen C0009405, MeSH D003123.
Hereditary cancer-predisposing syndrome. Also called: Neoplastic Syndromes, Hereditary; Tumor predisposition; Hereditary Cancer Syndrome; Hereditary neoplastic syndrome. Identifiers: Orphanet 140162, MedGen C0027672, MeSH D009386, MONDO:0015356.

gnomAD v4.1: 2 of 1,374,580 alleles (0.00015%); highest among the groups gnomAD compares: Non-Finnish European, 0.000094%; no homozygotes.

Submissions (3):

Labcorp Genetics (formerly Invitae), Labcorp
Classification: Uncertain significance for Hereditary nonpolyposis colorectal neoplasms. Last evaluated: 2025-05-15. Review status: criteria provided, single submitter. Criteria: Invitae Variant Classification Sherloc (09022015). Collection method: clinical testing. Allele origin: germline.
Comment: This sequence change falls in intron 1 of the MSH6 gene. It does not directly change the encoded amino acid sequence of the MSH6 protein. It affects a nucleotide within the consensus splice site. The frequency data for this variant in the population databases is considered unreliable, as metrics indicate poor data quality at this position in the gnomAD database. This variant has not been reported in the literature in individuals affected with MSH6-related conditions. ClinVar contains an entry for this variant (Variation ID: 920096). Variants that disrupt the consensus splice site are a relatively common cause of aberrant splicing (PMID: 17576681, 9536098). Algorithms developed to predict the effect of sequence changes on RNA splicing suggest that this variant is not likely to affect RNA splicing. In summary, the available evidence is currently insufficient to determine the role of this variant in disease. Therefore, it has been classified as a Variant of Uncertain Significance.

Women's Health and Genetics/Laboratory Corporation of America, LabCorp
Classification: Uncertain significance. Last evaluated: 2023-02-06. Review status: criteria provided, single submitter. Criteria: LabCorp Variant Classification Summary - May 2015. Collection method: clinical testing. Allele origin: germline.
Comment: Variant summary: MSH6 c.260+5C>T alters a non-conserved nucleotide located close to a canonical splice site and therefore could affect mRNA splicing, leading to a significantly altered protein sequence. 4/4 computational tools predict no significant impact on normal splicing. However, these predictions have yet to be confirmed by functional studies. The variant allele was found at a frequency of 2.9e-05 in 34702 control chromosomes. The available data on variant occurrences in the general population are insufficient to allow any conclusion about variant significance. To our knowledge, no occurrence of c.260+5C>T in individuals affected with Lynch syndrome/MSH6-related cancers and no experimental evidence demonstrating its impact on protein function have been reported. One clinical diagnostic laboratory has submitted clinical-significance assessments for this variant to ClinVar after 2014 without evidence for independent evaluation and classified the variant as uncertain significance. Based on the evidence outlined above, the variant was classified as uncertain significance.

Color Diagnostics, LLC DBA Color Health
Classification: Uncertain significance for Hereditary cancer-predisposing syndrome. Last evaluated: 2018-12-14. Review status: criteria provided, single submitter. Criteria: ACMG Guidelines, 2015. Collection method: clinical testing. Allele origin: germline.

Literature cited by the submitters: PubMed 17576681 (cited by Labcorp Genetics (formerly Invitae), Labcorp); PubMed 9536098 (cited by Labcorp Genetics (formerly Invitae), Labcorp).